The following is an entry in ClinVar:

ClinVar aggregate classification (germline): Uncertain significance (1 of 4 stars; one submission).

Submission:

Labcorp Genetics (formerly Invitae), Labcorp
Classification: Uncertain significance. Last evaluated: 2021-09-16. Review status: criteria provided, single submitter. Criteria: Invitae Variant Classification Sherloc (09022015). Collection method: clinical testing. Allele origin: germline.
Comment: In summary, the available evidence is currently insufficient to determine the role of this variant in disease. Therefore, it has been classified as a Variant of Uncertain Significance. Algorithms developed to predict the effect of missense changes on protein structure and function output the following: SIFT: "Tolerated"; PolyPhen-2: "Possibly Damaging"; Align-GVGD: "Class C0". The aspartic acid amino acid residue is found in multiple mammalian species, which suggests that this missense change does not adversely affect protein function. This variant has not been reported in the literature in individuals affected with RBP3-related conditions. This variant is not present in population databases (ExAC no frequency). This sequence change replaces glutamic acid with aspartic acid at codon 310 of the RBP3 protein (p.Glu310Asp). The glutamic acid residue is highly conserved and there is a small physicochemical difference between glutamic acid and aspartic acid.

NM_002900.3(RBP3):c.930G>T (p.Glu310Asp)

Gene: RBP3 (retinol binding protein 3; plus strand). Cytogenetic location: 10q11.22.
Variant type: single nucleotide variant.
Coding change: c.930G>T on transcript NM_002900.3 (MANE Select); coding-DNA position 930, G replaced by T.
Protein change: p.Glu310Asp; replaces glutamic acid 310 with aspartic acid.
Molecular consequence: missense variant.
Genome position (GRCh38, 1-based): chr10:47,349,414, G>T. VCF-style: chr10-47349414-G-T. GRCh37 (hg19) VCF-style: chr10-48389948-C-A.
Other names: short protein forms E310D.
Identifiers: ClinVar variation 1381550 (VCV001381550.6), dbSNP rs2132253120, ClinGen allele CA376667262.